The following continues an entry in ClinVar:

NM_006231.4(POLE):c.844C>T (p.Pro282Ser)

Gene: POLE. ClinVar aggregate classification (germline): Uncertain significance. Uncertain significance (17).

Submissions 11 to 18 of 18:

Department of Pathology and Laboratory Medicine, Sinai Health System
Classification: Uncertain significance for Familial colorectal cancer type X. Last evaluated: 2023-02-03. Review status: criteria provided, single submitter. Criteria: ACMG Guidelines, 2015. Collection method: clinical testing. Allele origin: germline. Affected: yes.

Sema4
Classification: Uncertain significance for Hereditary cancer-predisposing syndrome. Last evaluated: 2022-02-05. Review status: criteria provided, single submitter. Criteria: Sema4 Curation Guidelines. Collection method: curation. Allele origin: germline.
Comment: The POLE c.844C>T (p.P282S) variant has been reported in an individual affected with cutaneous malignant melanoma and Merkel cell carcinoma (PMID: 26251183) and in individual(s) with familial colorectal cancer (PMID: 28195393, 29120461), as well as an unaffected individual with a family history of breast cancer (PMID: 26845104). This variant was observed in 17/129150 chromosomes in the European (non-Finnish) population, with no homozygotes, according to the Genome Aggregation Database (PMID: 32461654). This variant has been reported in ClinVar (Variation ID: 224588). Functional studies have not been performed, and in silico predictions of the variant's effect on protein function are inconclusive. The evidence is insufficient to meet ACMG/AMP criteria for classifying the variant as benign or pathogenic. Thus, the clinical significance of this variant is currently uncertain.

Quest Diagnostics Nichols Institute San Juan Capistrano
Classification: Uncertain significance. Last evaluated: 2021-03-16. Review status: criteria provided, single submitter. Criteria: Quest Diagnostics criteria. Collection method: clinical testing. Allele origin: unknown.

ARUP Laboratories, Molecular Genetics and Genomics, ARUP Laboratories
Classification: Uncertain significance. Last evaluated: 2020-02-02. Review status: criteria provided, single submitter. Criteria: ARUP Molecular Germline Variant Investigation Process. Collection method: clinical testing. Allele origin: germline.
Comment: The POLE c.844C>T; p.Pro282Ser variant (rs138207610) is reported in the literature in an individual with cutaneous melanoma (Aoude 2015), an individual with familial colorectal cancer (Hansen 2017), and in an individual with a family history of breast cancer (Shirts 2016). This variant is also reported in CilnVar (Variation ID: 224588). It is found in the general population with an overall allele frequency of 0.006% (17/282822 alleles) in the Genome Aggregation Database. The proline at codon 282 is highly conserved, and computational analyses (SIFT, PolyPhen-2) predict that this variant is deleterious. Additionally, this variant is located within the exonuclease domain (Palles 2013), and gene-disease association has been established for variants within this domain (Seifert 2019). However, due to limited information, the clinical significance of this variant is uncertain at this time. REFERENCES Aoude LG et al. POLE mutations in families predisposed to cutaneous melanoma. Fam Cancer. 2015 Dec;14(4):621-8. Hansen MF et al. Use of multigene-panel identifies pathogenic variants in several CRC-predisposing genes in patients previously tested for Lynch Syndrome. Clin Genet. 2017 Oct;92(4):405-414. Palles C et al. Germline mutations affecting the proofreading domains of POLE and POLD1 predispose to colorectal adenomas and carcinomas. Nat Genet. 2013 Feb;45(2):136-44. Seifert BA et al. Determining the clinical validity of hereditary colorectal cancer and polyposis susceptibility genes using the Clinical Genome Resource Clinical Validity Framework. Genet Med. 2019 Jul;21(7):1507-1516. Shirts BH et al. Improving performance of multigene panels for genomic analysis of cancer predisposition. Genet Med. 2016 Oct;18(10):974-81.

Laboratory for Molecular Medicine, Mass General Brigham Personalized Medicine
Classification: Uncertain significance. Last evaluated: 2016-11-22. Review status: criteria provided, single submitter. Criteria: LMM Criteria. Collection method: clinical testing. Allele origin: germline. Observed: 1 variant allele.
Comment: The p.Pro282Ser variant in POLE has been reported in 1 individual with cutaneous malignant melanoma and 1 individual with breast cancer (Aoude 2015, Shirts 2016 ). It has also been identified in 10/66546 of European chromosomes by the Exome Aggregation Consortium (ExAC; dbSNP rs138207610) . Computational prediction tools and conservation analysis suggest that the vari ant may impact the protein, though this information is not predictive enough to determine pathogenicity. In summary, the clinical significance of the p.Pro282Se r variant is uncertain.

University of Washington Department of Laboratory Medicine, University of Washington
Classification: Uncertain significance for Hereditary cancer-predisposing syndrome. Last evaluated: 2015-11-20. Review status: criteria provided, single submitter. Criteria: Shirts et al. (Genet Med 2016). Collection method: clinical testing. Allele origin: germline. Affected: no. Observed: 1 variant allele.

CSER _CC_NCGL, University of Washington
Classification: Uncertain significance for Colorectal cancer. Last evaluated: 2015-09-01. Review status: criteria provided, single submitter. Criteria: Amendola et al. (Genome Res. 2015). Collection method: research. Allele origin: germline. Affected: yes. Study: CSER - NEXT Medicine variant annotation.
Comment: This interpretation considers GERP score and allele frequency data, in addition to published reports of the variant in the literature, available at the time of review.

Counsyl
Classification: Uncertain significance for Colorectal cancer, susceptibility to, 12. Last evaluated: 2016-10-21. Review status: no assertion criteria provided. Collection method: clinical testing. Allele origin: unknown. Not counted in ClinVar's aggregate classification.

Literature cited by the submitters: PubMed 26251183 (cited by 7 submitters); PubMed 28195393 (cited by 6 submitters); PubMed 29120461 (cited by 5 submitters); PubMed 26845104 (cited by 6 submitters); PubMed 29641532 (cited by Ambry Genetics); PubMed 30267214 (cited by Ambry Genetics); PubMed 30917185 (cited by 3 submitters).